The following is an entry in ClinVar:

NC_000001.10:g.(?_215807781)_(215808065_?)del

Gene: USH2A (usherin; minus strand). Cytogenetic location: 1q41.
Variant type: Deletion.
Identifiers: ClinVar variation 3248046 (VCV003248046.1).

ClinVar aggregate classification (germline): Pathogenic (1 of 4 stars; one submission).

Submission:

Labcorp Genetics (formerly Invitae), Labcorp
Classification: Pathogenic. Last evaluated: 2023-08-16. Review status: criteria provided, single submitter. Criteria: Invitae Variant Classification Sherloc (09022015). Collection method: clinical testing. Allele origin: unknown.
Comment: This variant disrupts a region of the USH2A protein in which other variant(s) (p.Ser5060Pro) have been determined to be pathogenic (PMID: 25649381, 29625443, 29899460, 31904091). This suggests that this is a clinically significant region of the protein, and that variants that disrupt it are likely to be disease-causing. For these reasons, this variant has been classified as Pathogenic. A similar copy number variant has been observed in individuals with clinical features of USH2A-related conditions (PMID: 24944099; Invitae). This variant is a gross deletion of the genomic region encompassing exon(s) 70 of the USH2A gene. While this deletion is not anticipated to lead to nonsense mediated decay, it is expected to disrupt the C-terminus of the protein.

Literature cited by the submitters: PubMed 25649381; PubMed 29625443; PubMed 29899460; PubMed 31904091; PubMed 24944099.